The following is an entry in ClinVar:

NM_000342.4(SLC4A1):c.241T>C (p.Trp81Arg)

Gene: SLC4A1 (solute carrier family 4 member 1 (Diego blood group); minus strand). Cytogenetic location: 17q21.31.
Variant type: single nucleotide variant.
Coding change: c.241T>C on transcript NM_000342.4 (MANE Select); coding-DNA position 241, T replaced by C.
Protein change: p.Trp81Arg; replaces tryptophan 81 with arginine.
Molecular consequence: missense variant.
Genome position (GRCh38, 1-based): chr17:44,260,743, A>G on the plus strand (T>C on the coding strand, the complement: SLC4A1 is on the minus strand). VCF-style: chr17-44260743-A-G. GRCh37 (hg19) VCF-style: chr17-42338111-A-G.
Other names: short protein forms W81R.
Identifiers: ClinVar variation 4526830 (VCV004526830.1).

ClinVar aggregate classification (germline): Uncertain significance (1 of 4 stars; one submission).

Conditions:
Autosomal dominant distal renal tubular acidosis (DRTA1). Also called: Renal Tubular Acidosis, Type I; RENAL TUBULAR ACIDOSIS, DISTAL, 1; RTA, CLASSIC TYPE; RTA, DISTAL TYPE, AUTOSOMAL DOMINANT; RTA, GRADIENT TYPE. Identifiers: Orphanet 93608, MedGen CN280572, MONDO:0008368, OMIM 179800.
Renal tubular acidosis, distal, 4, with hemolytic anemia. Also called: Renal Tubular Acidosis, Distal, with Hemolytic Anemia. Identifiers: Orphanet 93610, MedGen C5436235, MONDO:0012700, OMIM 611590.

gnomAD v4.1: 1 of 1,613,970 alleles (0.000062%); highest among the groups gnomAD compares: Non-Finnish European, 0.000085%; no homozygotes.

Submission:

Rare Kidney Stone Consortium and the Mayo Clinic Hyperoxaluria Center, Mayo Clinic
Classification: Uncertain significance for Renal tubular acidosis, distal, 4, with hemolytic anemia; Autosomal dominant distal renal tubular acidosis. Last evaluated: 2025-10-03. Review status: criteria provided, single submitter. Criteria: ACMG Guidelines, 2015. Collection method: research. Allele origin: germline. Observed: 1 variant allele.
Comment: ACMG:PM1, PM2, PP3

Literature cited by the submitters: PubMed 40794449.